The following is an entry in ClinVar:

ClinVar aggregate classification (germline): Uncertain significance. Review status: criteria provided, multiple submitters, no conflicts (2 of 4 stars). 2 submissions from 2 submitters: Uncertain significance (2). Last evaluated 2024-09-12.

Conditions:
Familial thoracic aortic aneurysm and aortic dissection (TAAD). Also called: Thoracic aortic aneurysms and dissections. Identifiers: Orphanet 91387, MedGen C4707243, MONDO:0019625.
Ehlers-Danlos syndrome, type 4 (EDSVASC). Also called: Ehlers-Danlos Syndrome Type IV; Ehlers-Danlos syndrome vascular type; Ehlers Danlos syndrome, ecchymotic type; Ehlers Danlos syndrome, arterial type; Ehlers Danlos syndrome, Sack-Barabas type. Identifiers: Orphanet 286, MedGen C0268338, MONDO:0017314, OMIM 130050.

Allele frequency attached by ClinVar (database versions not stated): TOPMed below 0.00001; gnomAD exomes 0.00002.
gnomAD v4.1: 15 of 1,613,976 alleles (0.00093%); highest among the groups gnomAD compares: Non-Finnish European, 0.0013%; no homozygotes.

Submissions (2):

Color Diagnostics, LLC DBA Color Health
Classification: Uncertain significance for Familial thoracic aortic aneurysm and aortic dissection. Last evaluated: 2024-09-12. Review status: criteria provided, single submitter. Criteria: ACMG Guidelines, 2015. Collection method: clinical testing. Allele origin: germline.
Comment: This missense variant replaces isoleucine with valine at codon 20 of the COL3A1 protein. Computational prediction suggests that this variant may not impact protein structure and function. To our knowledge, functional studies have not been reported for this variant. This variant has not been reported in individuals affected with COL3A1-related disorders in the literature. This variant has not been identified in the general population by the Genome Aggregation Database (gnomAD). The available evidence is insufficient to determine the role of this variant in disease conclusively. Therefore, this variant is classified as a Variant of Uncertain Significance.

Labcorp Genetics (formerly Invitae), Labcorp
Classification: Uncertain significance for Ehlers-Danlos syndrome, type 4. Last evaluated: 2023-05-10. Review status: criteria provided, single submitter. Criteria: Invitae Variant Classification Sherloc (09022015). Collection method: clinical testing. Allele origin: germline.
Comment: Advanced modeling of protein sequence and biophysical properties (such as structural, functional, and spatial information, amino acid conservation, physicochemical variation, residue mobility, and thermodynamic stability) performed at Invitae indicates that this missense variant is not expected to disrupt COL3A1 protein function. In summary, the available evidence is currently insufficient to determine the role of this variant in disease. Therefore, it has been classified as a Variant of Uncertain Significance. This sequence change replaces isoleucine, which is neutral and non-polar, with valine, which is neutral and non-polar, at codon 20 of the COL3A1 protein (p.Ile20Val). This variant is not present in population databases (gnomAD no frequency). This variant has not been reported in the literature in individuals affected with COL3A1-related conditions. ClinVar contains an entry for this variant (Variation ID: 918653).

NM_000090.4(COL3A1):c.58A>G (p.Ile20Val)

Gene: COL3A1 (collagen type III alpha 1 chain; plus strand). Cytogenetic location: 2q32.2.
Variant type: single nucleotide variant.
Coding change: c.58A>G on transcript NM_000090.4 (MANE Select); coding-DNA position 58, A replaced by G.
Protein change: p.Ile20Val; replaces isoleucine 20 with valine.
Molecular consequence: missense variant.
Genome position (GRCh38, 1-based): chr2:188,974,547, A>G. VCF-style: chr2-188974547-A-G. GRCh37 (hg19) VCF-style: chr2-189839273-A-G.
Other names: short protein forms I20V.
Identifiers: ClinVar variation 918653 (VCV000918653.6), dbSNP rs1342128671, ClinGen allele CA349845457.